The following is an entry in ClinVar:

ClinVar aggregate classification (germline): Uncertain significance (1 of 4 stars; one submission).

Conditions:
Congenital myasthenic syndrome 13 (CMS13). Also called: Myasthenic syndrome, congenital, with tubular aggregates 2; Myasthenic syndrome, congenital, 13, with tubular aggregates. Identifiers: Orphanet 353327, Orphanet 590, MedGen C3553645, MONDO:0013883, OMIM 614750.
DPAGT1-congenital disorder of glycosylation. Also called: CONGENITAL DISORDER OF GLYCOSYLATION, TYPE Ij; DPAGT1-CDG; CDG Ij. Identifiers: Orphanet 86309, MedGen C2931004, MONDO:0011964, OMIM 608093.

Allele frequency attached by ClinVar (database versions not stated): gnomAD exomes below 0.00001; TOPMed below 0.00001; gnomAD 0.00001.
gnomAD v4.1: 7 of 1,613,928 alleles (0.00043%); highest among the groups gnomAD compares: Non-Finnish European, 0.00059%; no homozygotes.

Submission:

Labcorp Genetics (formerly Invitae), Labcorp
Classification: Uncertain significance for Congenital myasthenic syndrome 13; DPAGT1-congenital disorder of glycosylation. Last evaluated: 2021-07-26. Review status: criteria provided, single submitter. Criteria: Invitae Variant Classification Sherloc (09022015). Collection method: clinical testing. Allele origin: germline.
Comment: In summary, the available evidence is currently insufficient to determine the role of this variant in disease. Therefore, it has been classified as a Variant of Uncertain Significance. Algorithms developed to predict the effect of missense changes on protein structure and function are either unavailable or do not agree on the potential impact of this missense change (SIFT: "Deleterious"; PolyPhen-2: "Probably Damaging"; Align-GVGD: "Class C15"). This variant has not been reported in the literature in individuals with DPAGT1-related conditions. This variant is not present in population databases (ExAC no frequency). This sequence change replaces glycine with arginine at codon 59 of the DPAGT1 protein (p.Gly59Arg). The glycine residue is highly conserved and there is a moderate physicochemical difference between glycine and arginine.

NM_001382.4(DPAGT1):c.175G>A (p.Gly59Arg)

Genes: DPAGT1 (dolichyl-phosphate N-acetylglucosaminephosphotransferase 1; minus strand), LOC126861360 (BRD4-independent group 4 enhancer GRCh37_chr11:118972216-118973415; plus strand). Cytogenetic location: 11q23.3.
Variant type: single nucleotide variant.
Coding change: c.175G>A on transcript NM_001382.4 (MANE Select); coding-DNA position 175, G replaced by A.
Protein change: p.Gly59Arg; replaces glycine 59 with arginine.
Molecular consequence: missense variant.
Genome position (GRCh38, 1-based): chr11:119,101,125, C>T on the plus strand (G>A on the coding strand, the complement: DPAGT1 is on the minus strand). VCF-style: chr11-119101125-C-T. GRCh37 (hg19) VCF-style: chr11-118971835-C-T.
Other names: short protein forms G59R.
Identifiers: ClinVar variation 1017431 (VCV001017431.9), dbSNP rs1041735569, ClinGen allele CA229605560.
Genomic context (GRCh38, chr11:119,101,125, plus strand): 5'-GGAAGGGGAAAGGGATGAAGCAGAAGAGGATGATAAGGAAAACAGCACCGCTGATCACTC[C>T]CTGGGATTCTGGGCTGTGGCCCAGCAGCAAGGGGGCGAGGGGGAAGAGGAAAGGGGGCGT-3'
Protein context (NP_001373.2, residues 49-69): TSRQQIPESQ[Gly59Arg]VISGAVFLII